The following is an entry in ClinVar:

ClinVar aggregate classification (germline): Uncertain significance (1 of 4 stars; one submission).

Conditions:
Catecholaminergic polymorphic ventricular tachycardia 1. Also called: VENTRICULAR TACHYCARDIA, STRESS-INDUCED POLYMORPHIC 1; VENTRICULAR TACHYCARDIA, CATECHOLAMINERGIC POLYMORPHIC, 1, WITH OR WITHOUT ATRIAL DYSFUNCTION AND/OR DILATED CARDIOMYOPATHY; RYR2-Related Catecholaminergic Polymorphic Ventricular Tachycardia. Identifiers: Orphanet 3286, MedGen C1631597, MONDO:0011484, OMIM 604772.

Submission:

Labcorp Genetics (formerly Invitae), Labcorp
Classification: Uncertain significance for Catecholaminergic polymorphic ventricular tachycardia 1. Last evaluated: 2023-05-30. Review status: criteria provided, single submitter. Criteria: Invitae Variant Classification Sherloc (09022015). Collection method: clinical testing. Allele origin: germline.
Comment: This sequence change replaces lysine, which is basic and polar, with asparagine, which is neutral and polar, at codon 1331 of the RYR2 protein (p.Lys1331Asn). In summary, the available evidence is currently insufficient to determine the role of this variant in disease. Therefore, it has been classified as a Variant of Uncertain Significance. Advanced modeling of protein sequence and biophysical properties (such as structural, functional, and spatial information, amino acid conservation, physicochemical variation, residue mobility, and thermodynamic stability) performed at Invitae indicates that this missense variant is not expected to disrupt RYR2 protein function. This variant has not been reported in the literature in individuals affected with RYR2-related conditions. This variant is not present in population databases (gnomAD no frequency).

NM_001035.3(RYR2):c.3993G>C (p.Lys1331Asn)

Genes: RYR2 (ryanodine receptor 2; plus strand), LOC126806067 (BRD4-independent group 4 enhancer GRCh37_chr1:237753258-237754457; plus strand). Cytogenetic location: 1q43.
Variant type: single nucleotide variant.
Coding change: c.3993G>C on transcript NM_001035.3 (MANE Select); coding-DNA position 3993, G replaced by C.
Protein change: p.Lys1331Asn; replaces lysine 1331 with asparagine.
Molecular consequence: missense variant.
Genome position (GRCh38, 1-based): chr1:237,590,825, G>C. VCF-style: chr1-237590825-G-C. GRCh37 (hg19) VCF-style: chr1-237754125-G-C.
Other names: short protein forms K1331N.
Identifiers: ClinVar variation 2784794 (VCV002784794.3), dbSNP rs2546615564, ClinGen allele CA072399.